The following is an entry in ClinVar:

ClinVar aggregate classification (germline): Pathogenic. Review status: criteria provided, multiple submitters, no conflicts (2 of 4 stars). 3 submissions from 3 submitters: Pathogenic (2). 1 of the submissions does not count toward it. Last evaluated 2025-02-20.

Conditions:
Cone-rod dystrophy 19 (CORD19). Identifiers: Orphanet 1872, MedGen C4014501, MONDO:0014372, OMIM 615860.

gnomAD v4.1: 4 of 1,614,010 alleles (0.00025%); highest among the groups gnomAD compares: South Asian, 0.0011%; no homozygotes.

Submissions (3):

GeneDx
Classification: Pathogenic. Last evaluated: 2025-02-20. Review status: criteria provided, single submitter. Criteria: GeneDx Variant Classification Process June 2021. Collection method: clinical testing. Allele origin: germline. Affected: yes.
Comment: Nonsense variant predicted to result in protein truncation or nonsense mediated decay in a gene for which loss of function is a known mechanism of disease; This variant is associated with the following publications: (PMID: 27162334, 31964843, 24791901)

Labcorp Genetics (formerly Invitae), Labcorp
Classification: Pathogenic. Last evaluated: 2022-09-30. Review status: criteria provided, single submitter. Criteria: Invitae Variant Classification Sherloc (09022015). Collection method: clinical testing. Allele origin: germline.
Comment: ClinVar contains an entry for this variant (Variation ID: 139516). This premature translational stop signal has been observed in individual(s) with cone-rod dystrophy (PMID: 24791901). It has also been observed to segregate with disease in related individuals. This variant is present in population databases (rs199882533, gnomAD 0.03%). This sequence change creates a premature translational stop signal (p.Glu543*) in the TTLL5 gene. It is expected to result in an absent or disrupted protein product. Loss-of-function variants in TTLL5 are known to be pathogenic (PMID: 24791901, 27162334). Algorithms developed to predict the effect of sequence changes on RNA splicing suggest that this variant may disrupt the consensus splice site. For these reasons, this variant has been classified as Pathogenic.

OMIM
Classification: Pathogenic for CONE-ROD DYSTROPHY 19. Last evaluated: 2014-05-01. Review status: no assertion criteria provided. Collection method: literature only. Allele origin: germline. Not counted in ClinVar's aggregate classification.

Literature cited by the submitters: PubMed 24791901 (cited by Labcorp Genetics (formerly Invitae), Labcorp and OMIM); PubMed 27162334 (cited by Labcorp Genetics (formerly Invitae), Labcorp).

NM_015072.5(TTLL5):c.1627G>T (p.Glu543Ter)

Gene: TTLL5 (tubulin tyrosine ligase like 5; plus strand). Cytogenetic location: 14q24.3.
Variant type: single nucleotide variant.
Coding change: c.1627G>T on transcript NM_015072.5 (MANE Select); coding-DNA position 1627, G replaced by T.
Protein change: p.Glu543Ter; replaces glutamic acid 543 with a stop codon.
Molecular consequence: nonsense.
Genome position (GRCh38, 1-based): chr14:75,764,691, G>T. VCF-style: chr14-75764691-G-T. GRCh37 (hg19) VCF-style: chr14-76231034-G-T.
Other names: c.1627G>T (NM_015072.4); short protein forms E543*.
Identifiers: ClinVar variation 139516 (VCV000139516.10), dbSNP rs199882533, ClinGen allele CA210613.